The following is an entry in ClinVar:

ClinVar aggregate classification (germline): Uncertain significance. Review status: criteria provided, multiple submitters, no conflicts (2 of 4 stars). 2 submissions from 2 submitters: Uncertain significance (2). Last evaluated 2024-07-12.

Conditions:
Spastic paraplegia. Identifiers: MedGen C0037772, HP:0001258.

Submissions (2):

Labcorp Genetics (formerly Invitae), Labcorp
Classification: Uncertain significance for Spastic paraplegia. Last evaluated: 2024-07-12. Review status: criteria provided, single submitter. Criteria: Invitae Variant Classification Sherloc (09022015). Collection method: clinical testing. Allele origin: germline.
Comment: This sequence change replaces leucine, which is neutral and non-polar, with serine, which is neutral and polar, at codon 3995 of the SACS protein (p.Leu3995Ser). This variant is present in population databases (rs765888979, gnomAD 0.0009%). This variant has not been reported in the literature in individuals affected with SACS-related conditions. Advanced modeling of protein sequence and biophysical properties (such as structural, functional, and spatial information, amino acid conservation, physicochemical variation, residue mobility, and thermodynamic stability) performed at Invitae indicates that this missense variant is not expected to disrupt SACS protein function with a negative predictive value of 95%. In summary, the available evidence is currently insufficient to determine the role of this variant in disease. Therefore, it has been classified as a Variant of Uncertain Significance.

Blueprint Genetics
Classification: Uncertain significance. Last evaluated: 2024-02-07. Review status: criteria provided, single submitter. Criteria: ACMG Guidelines, 2015. Collection method: clinical testing. Allele origin: germline.

NM_014363.6(SACS):c.11984T>C (p.Leu3995Ser)

Gene: SACS (sacsin molecular chaperone; minus strand). Cytogenetic location: 13q12.12.
Variant type: single nucleotide variant.
Coding change: c.11984T>C on transcript NM_014363.6 (MANE Select); coding-DNA position 11984, T replaced by C.
Protein change: p.Leu3995Ser; replaces leucine 3995 with serine.
Molecular consequence: missense variant.
Genome position (GRCh38, 1-based): chr13:23,331,892, A>G on the plus strand (T>C on the coding strand, the complement: SACS is on the minus strand). VCF-style: chr13-23331892-A-G. GRCh37 (hg19) VCF-style: chr13-23906031-A-G.
Other names: c.11543T>C, p.Leu3848Ser (NM_001278055.2); short protein forms L3848S, L3995S.
Identifiers: ClinVar variation 3711579 (VCV003711579.3).